The following is an entry in ClinVar:

NM_003809.3(TNFSF12):c.623G>A (p.Arg208His)

Genes: TNFSF12 (TNF superfamily member 12; plus strand), TNFSF12-TNFSF13 (TNFSF12-TNFSF13 readthrough; plus strand). Cytogenetic location: 17p13.1.
Variant type: single nucleotide variant.
Coding change: c.623G>A on transcript NM_003809.3 (MANE Select); coding-DNA position 623, G replaced by A.
Protein change: p.Arg208His; replaces arginine 208 with histidine.
Molecular consequence: missense variant. On other transcripts: non-coding transcript variant (1), intron variant (1).
Genome position (GRCh38, 1-based): chr17:7,557,223, G>A. VCF-style: chr17-7557223-G-A. GRCh37 (hg19) VCF-style: chr17-7460540-G-A.
Other names: c.498+321G>A (NM_172089.4); short protein forms R208H.
Identifiers: ClinVar variation 969275 (VCV000969275.9), dbSNP rs376560567, ClinGen allele CA8350889.

ClinVar aggregate classification (germline): Uncertain significance. Review status: criteria provided, multiple submitters, no conflicts (2 of 4 stars). 2 submissions from 2 submitters: Uncertain significance (2). Last evaluated 2026-01-18.

Conditions:
Common variable immunodeficiency (CVID). Also called: Common variable hypogamma-globulinemia; Common variable agammaglobulinemia. Identifiers: Orphanet 1572, MedGen C0009447, MONDO:0015517.

Allele frequency attached by ClinVar (database versions not stated): ESP Exome Variant Server 0.00008; gnomAD 0.00011; TOPMed 0.00017; gnomAD exomes 0.00022.
gnomAD v4.1: 331 of 1,612,110 alleles (0.021%); highest among the groups gnomAD compares: Non-Finnish European, 0.027%; no homozygotes.

Submissions (2):

Labcorp Genetics (formerly Invitae), Labcorp
Classification: Uncertain significance for Common variable immunodeficiency. Last evaluated: 2026-01-18. Review status: criteria provided, single submitter. Criteria: Invitae Variant Classification Sherloc (09022015). Collection method: clinical testing. Allele origin: germline.
Comment: This sequence change replaces arginine, which is basic and polar, with histidine, which is basic and polar, at codon 208 of the TNFSF12 protein (p.Arg208His). The frequency data for this variant in the population databases is considered unreliable, as metrics indicate poor data quality at this position in the gnomAD database. This variant has not been reported in the literature in individuals affected with TNFSF12-related conditions. ClinVar contains an entry for this variant (Variation ID: 969275). An algorithm developed to predict the effect of missense changes on protein structure and function (PolyPhen-2) suggests that this variant is likely to be tolerated. In summary, the available evidence is currently insufficient to determine the role of this variant in disease. Therefore, it has been classified as a Variant of Uncertain Significance.

Ambry Genetics
Classification: Uncertain significance. Last evaluated: 2024-06-19. Review status: criteria provided, single submitter. Criteria: Ambry Variant Classification Scheme 2023. Collection method: clinical testing. Allele origin: germline.